The following is an entry in ClinVar:

NM_014043.4(CHMP2B):c.373A>G (p.Met125Val)

Gene: CHMP2B (charged multivesicular body protein 2B; plus strand). Cytogenetic location: 3p11.2.
Variant type: single nucleotide variant.
Coding change: c.373A>G on transcript NM_014043.4 (MANE Select); coding-DNA position 373, A replaced by G.
Protein change: p.Met125Val; replaces methionine 125 with valine.
Molecular consequence: missense variant.
Genome position (GRCh38, 1-based): chr3:87,249,926, A>G. VCF-style: chr3-87249926-A-G. GRCh37 (hg19) VCF-style: chr3-87299076-A-G.
Other names: c.250A>G, p.Met84Val (NM_001244644.2); c.469A>G, p.Met157Val (NM_001410777.1); short protein forms M125V, M157V, M84V.
Identifiers: ClinVar variation 4278863 (VCV004278863.1).

ClinVar aggregate classification (germline): Uncertain significance (1 of 4 stars; one submission).

Submission:

GeneDx
Classification: Uncertain significance. Last evaluated: 2025-03-31. Review status: criteria provided, single submitter. Criteria: GeneDx Variant Classification Process June 2021. Collection method: clinical testing. Allele origin: germline. Affected: yes.
Comment: Not observed at significant frequency in large population cohorts (gnomAD); In silico analysis supports that this missense variant has a deleterious effect on protein structure/function; Has not been previously published as pathogenic or benign to our knowledge